The following is an entry in ClinVar:

NM_019594.4(LRRC8A):c.2089C>G (p.Leu697Val)

Gene: LRRC8A (leucine rich repeat containing 8 VRAC subunit A; plus strand). Cytogenetic location: 9q34.11.
Variant type: single nucleotide variant.
Coding change: c.2089C>G on transcript NM_019594.4 (MANE Select); coding-DNA position 2089, C replaced by G.
Protein change: p.Leu697Val; replaces leucine 697 with valine.
Molecular consequence: missense variant.
Genome position (GRCh38, 1-based): chr9:128,909,253, C>G. VCF-style: chr9-128909253-C-G. GRCh37 (hg19) VCF-style: chr9-131671532-C-G.
Other names: c.2089C>G, p.Leu697Val (NM_001127244.2, NM_001127245.2); short protein forms L697V.
Identifiers: ClinVar variation 1947803 (VCV001947803.5), dbSNP rs774288961, ClinGen allele CA375087026.

ClinVar aggregate classification (germline): Uncertain significance (1 of 4 stars; one submission).

gnomAD v4.1: 16 of 1,614,128 alleles (0.00099%); highest among the groups gnomAD compares: Non-Finnish European, 0.0014%; no homozygotes.

Submission:

Labcorp Genetics (formerly Invitae), Labcorp
Classification: Uncertain significance. Last evaluated: 2022-03-08. Review status: criteria provided, single submitter. Criteria: Invitae Variant Classification Sherloc (09022015). Collection method: clinical testing. Allele origin: germline.
Comment: In summary, the available evidence is currently insufficient to determine the role of this variant in disease. Therefore, it has been classified as a Variant of Uncertain Significance. This sequence change replaces leucine, which is neutral and non-polar, with valine, which is neutral and non-polar, at codon 697 of the LRRC8A protein (p.Leu697Val). This variant is not present in population databases (gnomAD no frequency). This variant has not been reported in the literature in individuals affected with LRRC8A-related conditions. Algorithms developed to predict the effect of missense changes on protein structure and function (SIFT, PolyPhen-2, Align-GVGD) all suggest that this variant is likely to be disruptive.